The following is an entry in ClinVar:

ClinVar aggregate classification (germline): Likely benign. Review status: criteria provided, multiple submitters, no conflicts (2 of 4 stars). 3 submissions from 3 submitters: Likely benign (3). Last evaluated 2025-02-23.

Conditions:
Neonatal-onset encephalopathy with rigidity and seizures. Also called: Lethal neonatal spasticity-epileptic encephalopathy syndrome. Identifiers: Orphanet 435845, MedGen C3281029, MONDO:0013784, OMIM 614498.

Allele frequency attached by ClinVar (database versions not stated): gnomAD 0.00003; 1000 Genomes Project 30x 0.00047; 1000 Genomes Project 0.00060.
gnomAD v4.1: 144 of 1,567,998 alleles (0.0092%); highest among the groups gnomAD compares: South Asian, 0.15%; 2 homozygotes.

Submissions (3):

Labcorp Genetics (formerly Invitae), Labcorp
Classification: Likely benign for Neonatal-onset encephalopathy with rigidity and seizures. Last evaluated: 2025-02-23. Review status: criteria provided, single submitter. Criteria: Invitae Variant Classification Sherloc (09022015). Collection method: clinical testing. Allele origin: germline.

Blueprint Genetics
Classification: Likely benign. Last evaluated: 2024-08-12. Review status: criteria provided, single submitter. Criteria: ACMG Guidelines, 2015. Collection method: clinical testing. Allele origin: germline.

CeGaT Center for Human Genetics Tuebingen
Classification: Likely benign. Last evaluated: 2022-03-01. Review status: criteria provided, single submitter. Criteria: CeGaT Center For Human Genetics Tuebingen Variant Classification Criteria Version 2. Collection method: clinical testing. Allele origin: germline. Affected: yes. Observed: 1 variant allele.
Comment: BRAT1: BP4, BP7

NM_152743.4(BRAT1):c.2454C>T (p.Ala818=)

Gene: BRAT1 (BRCA1 associated ATM activator 1; minus strand). Cytogenetic location: 7p22.3.
Variant type: single nucleotide variant.
Coding change: c.2454C>T on transcript NM_152743.4 (MANE Select); coding-DNA position 2454, C replaced by T.
Protein change: p.Ala818=; no amino-acid change (alanine 818 retained).
Molecular consequence: synonymous variant. On other transcripts: non-coding transcript variant (1).
Genome position (GRCh38, 1-based): chr7:2,538,081, G>A on the plus strand (C>T on the coding strand, the complement: BRAT1 is on the minus strand). VCF-style: chr7-2538081-G-A. GRCh37 (hg19) VCF-style: chr7-2577715-G-A.
Other names: c.2634C>T, p.Ala878= (NM_001350626.2); c.1929C>T, p.Ala643= (NM_001350627.2).
Identifiers: ClinVar variation 745788 (VCV000745788.35), dbSNP rs557088612, ClinGen allele CA4127357.